The following is an entry in ClinVar:

ClinVar aggregate classification (germline): Uncertain significance (1 of 4 stars; one submission).

Conditions:
Dilated cardiomyopathy 1KK (CMD1KK). Identifiers: Orphanet 154, Orphanet 75249, MedGen C3714995, MONDO:0014100, OMIM 615248.

gnomAD v4.1: 2 of 1,614,070 alleles (0.00012%); highest among the groups gnomAD compares: Non-Finnish European, 0.00017%; no homozygotes.

Submission:

Labcorp Genetics (formerly Invitae), Labcorp
Classification: Uncertain significance for Dilated cardiomyopathy 1KK. Last evaluated: 2022-05-25. Review status: criteria provided, single submitter. Criteria: Invitae Variant Classification Sherloc (09022015). Collection method: clinical testing. Allele origin: germline.
Comment: This variant has not been reported in the literature in individuals affected with MYPN-related conditions. This variant is not present in population databases (gnomAD no frequency). This sequence change replaces leucine, which is neutral and non-polar, with valine, which is neutral and non-polar, at codon 228 of the MYPN protein (p.Leu228Val). In summary, the available evidence is currently insufficient to determine the role of this variant in disease. Therefore, it has been classified as a Variant of Uncertain Significance. Algorithms developed to predict the effect of missense changes on protein structure and function (SIFT, PolyPhen-2, Align-GVGD) all suggest that this variant is likely to be tolerated.

NM_032578.4(MYPN):c.682C>G (p.Leu228Val)

Gene: MYPN (myopalladin; plus strand). Cytogenetic location: 10q21.3.
Variant type: single nucleotide variant.
Coding change: c.682C>G on transcript NM_032578.4 (MANE Select); coding-DNA position 682, C replaced by G.
Protein change: p.Leu228Val; replaces leucine 228 with valine.
Molecular consequence: missense variant. On other transcripts: 5 prime UTR variant (1), non-coding transcript variant (1).
Genome position (GRCh38, 1-based): chr10:68,122,120, C>G. VCF-style: chr10-68122120-C-G. GRCh37 (hg19) VCF-style: chr10-69881877-C-G.
Other names: c.682C>G, p.Leu228Val (NM_001256267.2); c.-441C>G (NM_001256268.2); short protein forms L228V.
Identifiers: ClinVar variation 2168896 (VCV002168896.4), dbSNP rs1012387142, ClinGen allele CA377104894.
Genomic context (GRCh38, chr10:68,122,120, plus strand): 5'-AGATCTTCTGTTCCCATCCCTATCCCTGCGGATACCAGGGATAATGAAGTGAATCACGCC[C>G]TGGAACAGCAGGAAGCCAAGAGGCGTGAAGCGGAGCAGGCTGCCAGTGAGGCGGCTGGTG-3'
Protein context (NP_115967.2, residues 218-238): DTRDNEVNHA[Leu228Val]EQQEAKRREA